The following is an entry in ClinVar:

ClinVar aggregate classification (germline): Pathogenic (1 of 4 stars; one submission).

Allele frequency attached by ClinVar (database versions not stated): gnomAD exomes 0.00001 and 0.00003; ExAC 0.00003.
gnomAD v4.1: 17 of 1,614,046 alleles (0.0011%); highest among the groups gnomAD compares: South Asian, 0.015%; no homozygotes.

Submission:

CeGaT Center for Human Genetics Tuebingen
Classification: Pathogenic. Last evaluated: 2024-01-01. Review status: criteria provided, single submitter. Criteria: CeGaT Center For Human Genetics Tuebingen Variant Classification Criteria Version 2. Collection method: clinical testing. Allele origin: germline. Affected: yes. Observed: 2 variant alleles.
Comment: CEP55: PVS1, PM2, PM3:Supporting

NM_018131.5(CEP55):c.307C>T (p.Gln103Ter)

Gene: CEP55 (centrosomal protein 55; plus strand). Cytogenetic location: 10q23.33.
Variant type: single nucleotide variant.
Coding change: c.307C>T on transcript NM_018131.5 (MANE Select); coding-DNA position 307, C replaced by T.
Protein change: p.Gln103Ter; replaces glutamine 103 with a stop codon.
Molecular consequence: nonsense.
Genome position (GRCh38, 1-based): chr10:93,503,236, C>T. VCF-style: chr10-93503236-C-T. GRCh37 (hg19) VCF-style: chr10-95262993-C-T.
Other names: c.307C>T, p.Gln103Ter (NM_001127182.2); short protein forms Q103*.
Identifiers: ClinVar variation 1175779 (VCV001175779.35), dbSNP rs770774477, ClinGen allele CA5608874.